The following is an entry in ClinVar:

ClinVar aggregate classification (germline): Uncertain significance (1 of 4 stars; one submission).

Conditions:
Hereditary cancer-predisposing syndrome. Also called: Hereditary Cancer Syndrome; Tumor predisposition; Neoplastic Syndromes, Hereditary; Hereditary neoplastic syndrome. Identifiers: Orphanet 140162, MedGen C0027672, MeSH D009386, MONDO:0015356.

Allele frequency attached by ClinVar (database versions not stated): gnomAD exomes below 0.00001.

Submission:

Ambry Genetics
Classification: Uncertain significance for Hereditary cancer-predisposing syndrome. Last evaluated: 2026-01-14. Review status: criteria provided, single submitter. Criteria: Ambry Variant Classification Scheme 2023. Collection method: clinical testing. Allele origin: germline.
Comment: The p.T308A variant (also known as c.922A>G), located in coding exon 10 of the POLE gene, results from an A to G substitution at nucleotide position 922. The threonine at codon 308 is replaced by alanine, an amino acid with similar properties. This amino acid position is highly conserved in available vertebrate species. In addition, the in silico prediction for this alteration is inconclusive. Based on the available evidence, the clinical significance of this variant remains unclear.

NM_006231.4(POLE):c.922A>G (p.Thr308Ala)

Gene: POLE (DNA polymerase epsilon, catalytic subunit; minus strand). Cytogenetic location: 12q24.33.
Variant type: single nucleotide variant.
Coding change: c.922A>G on transcript NM_006231.4 (MANE Select); coding-DNA position 922, A replaced by G.
Protein change: p.Thr308Ala; replaces threonine 308 with alanine.
Molecular consequence: missense variant.
Genome position (GRCh38, 1-based): chr12:132,676,192, T>C on the plus strand (A>G on the coding strand, the complement: POLE is on the minus strand). VCF-style: chr12-132676192-T-C. GRCh37 (hg19) VCF-style: chr12-133252778-T-C.
Other names: short protein forms T308A.
Identifiers: ClinVar variation 823107 (VCV000823107.5), dbSNP rs1593078566, ClinGen allele CA387363949.